The following is an entry in ClinVar:

NM_000059.4(BRCA2):c.9872C>T (p.Ser3291Phe)

Gene: BRCA2 (BRCA2 DNA repair associated; plus strand). Cytogenetic location: 13q13.1.
Variant type: single nucleotide variant.
Coding change: c.9872C>T on transcript NM_000059.4 (MANE Select); coding-DNA position 9872, C replaced by T.
Protein change: p.Ser3291Phe; replaces serine 3291 with phenylalanine.
Molecular consequence: missense variant.
Genome position (GRCh38, 1-based): chr13:32,398,385, C>T. VCF-style: chr13-32398385-C-T. GRCh37 (hg19) VCF-style: chr13-32972522-C-T.
Other names: short protein forms S3291F.
Identifiers: ClinVar variation 923092 (VCV000923092.4), dbSNP rs200210279, ClinGen allele CA387766655.

ClinVar aggregate classification (germline): Uncertain significance. Review status: criteria provided, multiple submitters, no conflicts (2 of 4 stars). 2 submissions from 2 submitters: Uncertain significance (2). Last evaluated 2024-12-27.

Conditions:
Hereditary cancer-predisposing syndrome. Also called: Neoplastic Syndromes, Hereditary; Tumor predisposition; Hereditary Cancer Syndrome; Hereditary neoplastic syndrome. Identifiers: Orphanet 140162, MedGen C0027672, MeSH D009386, MONDO:0015356.

Submissions (2):

Ambry Genetics
Classification: Uncertain significance for Hereditary cancer-predisposing syndrome. Last evaluated: 2024-12-27. Review status: criteria provided, single submitter. Criteria: Ambry Variant Classification Scheme 2023. Collection method: clinical testing. Allele origin: germline.
Comment: The p.S3291F variant (also known as c.9872C>T), located in coding exon 26 of the BRCA2 gene, results from a C to T substitution at nucleotide position 9872. The serine at codon 3291 is replaced by phenylalanine, an amino acid with highly dissimilar properties. This amino acid position is highly conserved in available vertebrate species. In addition, the in silico prediction for this alteration is inconclusive. Based on the available evidence, the clinical significance of this variant remains unclear.

Color Diagnostics, LLC DBA Color Health
Classification: Uncertain significance for Hereditary cancer-predisposing syndrome. Last evaluated: 2019-10-01. Review status: criteria provided, single submitter. Criteria: ACMG Guidelines, 2015. Collection method: clinical testing. Allele origin: germline.
Comment: This missense variant replaces serine with phenylalanine at codon 3291 of the BRCA2 protein. Computational prediction suggests that this variant may not impact protein structure and function (internally defined REVEL score threshold <= 0.5, PMID: 27666373). Splice site prediction tools suggest that this variant may not impact RNA splicing. To our knowledge, functional studies have not been performed for this variant. This variant has not been reported in individuals affected with hereditary cancer in the literature. This variant has not been identified in the general population by the Genome Aggregation Database (gnomAD). The available evidence is insufficient to determine the role of this variant in disease conclusively. Therefore, this variant is classified as a Variant of Uncertain Significance.